The following is an entry in ClinVar:

NM_007315.4(STAT1):c.1447-6C>G

Gene: STAT1 (signal transducer and activator of transcription 1; minus strand). Cytogenetic location: 2q32.2.
Variant type: single nucleotide variant.
Coding change: c.1447-6C>G on transcript NM_007315.4 (MANE Select); 6 bases into the intron before coding-DNA position 1447, C replaced by G.
Molecular consequence: intron variant.
Genome position (GRCh38, 1-based): chr2:190,982,524, G>C on the plus strand (C>G on the coding strand, the complement: STAT1 is on the minus strand). VCF-style: chr2-190982524-G-C. GRCh37 (hg19) VCF-style: chr2-191847250-G-C.
Other names: c.1447-6C>G (NM_001437284.1, NM_001384889.1, NM_001384886.1 and 1 more transcripts); c.1357-6C>G (NM_001384890.1); c.1348-6C>G (NM_001384883.1); c.1288-6C>G (NM_001384885.1); c.1354-6C>G (NM_001384887.1); c.1387-6C>G (NM_001384880.1); c.1417-6C>G (NM_001384888.1); c.1441-6C>G (NM_001384882.1); and 2 more.
Identifiers: ClinVar variation 4882062 (VCV004882062.2).

ClinVar aggregate classification (germline): Uncertain significance (1 of 4 stars; one submission).

Submission:

Dasa
Classification: Uncertain significance. Last evaluated: 2026-03-30. Review status: criteria provided, single submitter. Criteria: DASA Assertion Criteria. Collection method: clinical testing. Allele origin: germline.
Comment: NM_007315.4(STAT1):c.1447-6C>G is a splice-region variant. This variant is rare in population databases. Computational prediction algorithms are consistent with a benign effect. The currently available literature and clinical evidence are not sufficient to establish a definitive association between this variant and the reported condition. Therefore, this variant is classified as a variant of uncertain significance.